The following is an entry in ClinVar:

NM_001375.3(DNASE2):c.298C>T (p.Pro100Ser)

Gene: DNASE2 (deoxyribonuclease 2, lysosomal; minus strand). Cytogenetic location: 19p13.13.
Variant type: single nucleotide variant.
Coding change: c.298C>T on transcript NM_001375.3 (MANE Select); coding-DNA position 298, C replaced by T.
Protein change: p.Pro100Ser; replaces proline 100 with serine.
Molecular consequence: missense variant.
Genome position (GRCh38, 1-based): chr19:12,880,850, G>A on the plus strand (C>T on the coding strand, the complement: DNASE2 is on the minus strand). VCF-style: chr19-12880850-G-A. GRCh37 (hg19) VCF-style: chr19-12991664-G-A.
Other names: short protein forms P100S.
Identifiers: ClinVar variation 1934334 (VCV001934334.3), dbSNP rs1203290177, ClinGen allele CA404302259.

ClinVar aggregate classification (germline): Uncertain significance (1 of 4 stars; one submission).

Allele frequency attached by ClinVar (database versions not stated): gnomAD exomes below 0.00001; gnomAD 0.00001; TOPMed 0.00002.
gnomAD v4.1: 4 of 1,614,076 alleles (0.00025%); highest among the groups gnomAD compares: African/African-American, 0.0013%; no homozygotes.

Submission:

Labcorp Genetics (formerly Invitae), Labcorp
Classification: Uncertain significance. Last evaluated: 2024-11-08. Review status: criteria provided, single submitter. Criteria: Invitae Variant Classification Sherloc (09022015). Collection method: clinical testing. Allele origin: germline.
Comment: This sequence change replaces proline, which is neutral and non-polar, with serine, which is neutral and polar, at codon 100 of the DNASE2 protein (p.Pro100Ser). This variant is present in population databases (no rsID available, gnomAD 0.0009%). This variant has not been reported in the literature in individuals affected with DNASE2-related conditions. ClinVar contains an entry for this variant (Variation ID: 1934334). An algorithm developed to predict the effect of missense changes on protein structure and function (PolyPhen-2) suggests that this variant is likely to be disruptive. In summary, the available evidence is currently insufficient to determine the role of this variant in disease. Therefore, it has been classified as a Variant of Uncertain Significance.